The following is an entry in ClinVar:

ClinVar aggregate classification (germline): Uncertain significance (1 of 4 stars; one submission).

Conditions:
Autosomal dominant limb-girdle muscular dystrophy type 1D (DNAJB6) (LGMDD1). Also called: MUSCULAR DYSTROPHY, LIMB-GIRDLE, TYPE 1D; MUSCULAR DYSTROPHY, AUTOSOMAL DOMINANT, WITH RIMMED VACUOLES; Autosomal dominant limb-girdle muscular dystrophy type 1D; Muscular dystrophy, limb-girdle, autosomal dominant 1. Identifiers: Orphanet 34516, MedGen C4721885, MONDO:0021018, OMIM 603511.

gnomAD v4.1: 4 of 1,536,432 alleles (0.00026%); highest among the groups gnomAD compares: Admixed American, 0.0039%; no homozygotes.

Submission:

Labcorp Genetics (formerly Invitae), Labcorp
Classification: Uncertain significance for Autosomal dominant limb-girdle muscular dystrophy type 1D (DNAJB6). Last evaluated: 2024-06-14. Review status: criteria provided, single submitter. Criteria: Invitae Variant Classification Sherloc (09022015). Collection method: clinical testing. Allele origin: germline.
Comment: This sequence change replaces cysteine, which is neutral and slightly polar, with tryptophan, which is neutral and slightly polar, at codon 275 of the DNAJB6 protein (p.Cys275Trp). This variant is not present in population databases (gnomAD no frequency). This variant has not been reported in the literature in individuals affected with DNAJB6-related conditions. ClinVar contains an entry for this variant (Variation ID: 1494652). Advanced modeling of protein sequence and biophysical properties (such as structural, functional, and spatial information, amino acid conservation, physicochemical variation, residue mobility, and thermodynamic stability) performed at Invitae indicates that this missense variant is not expected to disrupt DNAJB6 protein function with a negative predictive value of 80%. In summary, the available evidence is currently insufficient to determine the role of this variant in disease. Therefore, it has been classified as a Variant of Uncertain Significance.

NM_058246.4(DNAJB6):c.825T>G (p.Cys275Trp)

Gene: DNAJB6 (DnaJ heat shock protein family (Hsp40) member B6; plus strand). Cytogenetic location: 7q36.3.
Variant type: single nucleotide variant.
Coding change: c.825T>G on transcript NM_058246.4 (MANE Select); coding-DNA position 825, T replaced by G.
Protein change: p.Cys275Trp; replaces cysteine 275 with tryptophan.
Molecular consequence: missense variant.
Genome position (GRCh38, 1-based): chr7:157,409,928, T>G. VCF-style: chr7-157409928-T-G. GRCh37 (hg19) VCF-style: chr7-157202622-T-G.
Other names: c.480T>G, p.Cys160Trp (NM_001363676.1); short protein forms C275W, C160W.
Identifiers: ClinVar variation 1494652 (VCV001494652.8), dbSNP rs1034901113, ClinGen allele CA169899203.